The following is an entry in ClinVar:

ClinVar aggregate classification (germline): Uncertain significance (1 of 4 stars; one submission).

Conditions:
Acrocallosal syndrome (ACLS). Also called: HALLUX DUPLICATION, POSTAXIAL POLYDACTYLY, AND ABSENCE OF CORPUS CALLOSUM; Schinzel syndrome 1; Absence of corpus callosum with unusual facial appearance, mental deficiency, duplication of the halluces and polydactyly. Identifiers: Orphanet 36, MedGen C0796147, MONDO:0008708, OMIM 200990.

Allele frequency attached by ClinVar (database versions not stated): gnomAD exomes below 0.00001; ExAC 0.00001.
gnomAD v4.1: 5 of 1,612,654 alleles (0.00031%); highest among the groups gnomAD compares: South Asian, 0.0011%; no homozygotes.

Submission:

Labcorp Genetics (formerly Invitae), Labcorp
Classification: Uncertain significance for Acrocallosal syndrome. Last evaluated: 2022-10-24. Review status: criteria provided, single submitter. Criteria: Invitae Variant Classification Sherloc (09022015). Collection method: clinical testing. Allele origin: germline.
Comment: In summary, the available evidence is currently insufficient to determine the role of this variant in disease. Therefore, it has been classified as a Variant of Uncertain Significance. This sequence change replaces aspartic acid, which is acidic and polar, with glycine, which is neutral and non-polar, at codon 1181 of the KIF7 protein (p.Asp1181Gly). This variant is present in population databases (rs766236000, gnomAD 0.0009%). This variant has not been reported in the literature in individuals affected with KIF7-related conditions. ClinVar contains an entry for this variant (Variation ID: 1440489). Advanced modeling of protein sequence and biophysical properties (such as structural, functional, and spatial information, amino acid conservation, physicochemical variation, residue mobility, and thermodynamic stability) performed at Invitae indicates that this missense variant is not expected to disrupt KIF7 protein function.

NM_198525.3(KIF7):c.3542A>G (p.Asp1181Gly)

Genes: KIF7 (kinesin family member 7; minus strand), LOC126862216 (BRD4-independent group 4 enhancer GRCh37_chr15:90171995-90173194; plus strand). Cytogenetic location: 15q26.1.
Variant type: single nucleotide variant.
Coding change: c.3542A>G on transcript NM_198525.3 (MANE Select); coding-DNA position 3542, A replaced by G.
Protein change: p.Asp1181Gly; replaces aspartic acid 1181 with glycine.
Molecular consequence: missense variant.
Genome position (GRCh38, 1-based): chr15:89,629,098, T>C on the plus strand (A>G on the coding strand, the complement: KIF7 is on the minus strand). VCF-style: chr15-89629098-T-C. GRCh37 (hg19) VCF-style: chr15-90172329-T-C.
Other names: short protein forms D1181G.
Identifiers: ClinVar variation 1440489 (VCV001440489.10), dbSNP rs766236000, ClinGen allele CA7727641.